The following is an entry in ClinVar:

ClinVar aggregate classification (germline): Benign/Likely benign. Review status: criteria provided, multiple submitters, no conflicts (2 of 4 stars). 2 submissions from 2 submitters: Benign (1); Likely benign (1). Last evaluated 2024-09-18.

Conditions:
Hereditary diffuse gastric adenocarcinoma (HDGC). Also called: DIFFUSE GASTRIC AND LOBULAR BREAST CANCER SYNDROME. Identifiers: Orphanet 26106, MedGen C1708349, MONDO:0007648, OMIM 137215.

Submissions (2):

Myriad Genetics, Inc.
Classification: Benign for Hereditary diffuse gastric adenocarcinoma. Last evaluated: 2024-09-18. Review status: criteria provided, single submitter. Criteria: Myriad Autosomal Dominant, Autosomal Recessive and X-Linked Classification Criteria (2023). Collection method: clinical testing. Allele origin: unknown.
Comment: This variant is considered benign. This variant is a silent/synonymous amino acid change and it is not expected to impact splicing.

Labcorp Genetics (formerly Invitae), Labcorp
Classification: Likely benign for Hereditary diffuse gastric adenocarcinoma. Last evaluated: 2021-01-21. Review status: criteria provided, single submitter. Criteria: Invitae Variant Classification Sherloc (09022015). Collection method: clinical testing. Allele origin: germline.

NM_004360.5(CDH1):c.1278C>T (p.Thr426=)

Gene: CDH1 (cadherin 1; plus strand). Cytogenetic location: 16q22.1.
Variant type: single nucleotide variant.
Coding change: c.1278C>T on transcript NM_004360.5 (MANE Select); coding-DNA position 1278, C replaced by T.
Protein change: p.Thr426=; no amino-acid change (threonine 426 retained).
Molecular consequence: synonymous variant. On other transcripts: 5 prime UTR variant (2), intron variant (1).
Genome position (GRCh38, 1-based): chr16:68,813,453, C>T. VCF-style: chr16-68813453-C-T. GRCh37 (hg19) VCF-style: chr16-68847356-C-T.
Other names: c.-338C>T (NM_001317185.2); c.-542C>T (NM_001317186.2); c.1137+1190C>T (NM_001317184.2).
Identifiers: ClinVar variation 1628636 (VCV001628636.9), dbSNP rs2152133592, ClinGen allele CA496393132.